The following is an entry in ClinVar:

ClinVar aggregate classification (germline): Uncertain significance (1 of 4 stars; one submission).

gnomAD v4.1: 1 of 1,613,710 alleles (0.000062%); highest among the groups gnomAD compares: South Asian, 0.0011%; no homozygotes.

Submission:

Labcorp Genetics (formerly Invitae), Labcorp
Classification: Uncertain significance. Last evaluated: 2025-02-13. Review status: criteria provided, single submitter. Criteria: Invitae Variant Classification Sherloc (09022015). Collection method: clinical testing. Allele origin: germline.
Comment: This sequence change replaces glutamic acid, which is acidic and polar, with lysine, which is basic and polar, at codon 664 of the OBSL1 protein (p.Glu664Lys). This variant is not present in population databases (gnomAD no frequency). This variant has not been reported in the literature in individuals affected with OBSL1-related conditions. An algorithm developed to predict the effect of missense changes on protein structure and function (PolyPhen-2) suggests that this variant is likely to be tolerated. In summary, the available evidence is currently insufficient to determine the role of this variant in disease. Therefore, it has been classified as a Variant of Uncertain Significance.

NM_015311.3(OBSL1):c.1990G>A (p.Glu664Lys)

Gene: OBSL1 (obscurin like cytoskeletal adaptor 1; minus strand). Cytogenetic location: 2q35.
Variant type: single nucleotide variant.
Coding change: c.1990G>A on transcript NM_015311.3 (MANE Select); coding-DNA position 1990, G replaced by A.
Protein change: p.Glu664Lys; replaces glutamic acid 664 with lysine.
Molecular consequence: missense variant.
Genome position (GRCh38, 1-based): chr2:219,566,974, C>T on the plus strand (G>A on the coding strand, the complement: OBSL1 is on the minus strand). VCF-style: chr2-219566974-C-T. GRCh37 (hg19) VCF-style: chr2-220431696-C-T.
Other names: c.1990G>A, p.Glu664Lys (NM_001173408.2, NM_001173431.2); short protein forms E664K.
Identifiers: ClinVar variation 3620794 (VCV003620794.2).